The following is an entry in ClinVar:

NM_000059.4(BRCA2):c.9210T>C (p.Ser3070=)

Gene: BRCA2 (BRCA2 DNA repair associated; plus strand). Cytogenetic location: 13q13.1.
Variant type: single nucleotide variant.
Coding change: c.9210T>C on transcript NM_000059.4 (MANE Select); coding-DNA position 9210, T replaced by C.
Protein change: p.Ser3070=; no amino-acid change (serine 3070 retained).
Molecular consequence: synonymous variant.
Genome position (GRCh38, 1-based): chr13:32,380,099, T>C. VCF-style: chr13-32380099-T-C. GRCh37 (hg19) VCF-style: chr13-32954236-T-C.
Identifiers: ClinVar variation 427382 (VCV000427382.18), dbSNP rs1131692113, ClinGen allele CA483262101.

ClinVar aggregate classification (germline): Likely benign. Review status: reviewed by expert panel (3 of 4 stars). 4 submissions from 4 submitters: Likely benign (1). 3 of the submissions do not count toward it. Last evaluated 2017-06-29.

Conditions:
Hereditary cancer-predisposing syndrome. Also called: Hereditary neoplastic syndrome; Hereditary Cancer Syndrome; Neoplastic Syndromes, Hereditary; Tumor predisposition. Identifiers: Orphanet 140162, MedGen C0027672, MeSH D009386, MONDO:0015356.
Hereditary breast ovarian cancer syndrome. Also called: Hereditary breast and ovarian cancer syndrome; BRCA1- and BRCA2-Associated Hereditary Breast and Ovarian Cancer; Hereditary breast and/or ovarian cancer syndrome; Hereditary breast and ovarian cancer; Breast and ovarian cancer; Hereditary breast and ovarian cancer syndrome (HBOC). Identifiers: Orphanet 145, MedGen C0677776, MeSH D061325, MONDO:0003582. Disease mechanism: loss of function.
Breast-ovarian cancer, familial, susceptibility to, 2 (BROVCA2). Also called: BRCA2 Hereditary Breast and Ovarian Cancer. Identifiers: Orphanet 145, MedGen C2675520, MONDO:0012933, OMIM 612555. Disease mechanism: loss of function.

Submissions (4):

Evidence-based Network for the Interpretation of Germline Mutant Alleles (ENIGMA)
Classification: Likely benign for Breast-ovarian cancer, familial, susceptibility to, 2. Last evaluated: 2017-06-29. Review status: reviewed by expert panel. Criteria: ENIGMA BRCA1/2 Classification Criteria (2017-06-29). Collection method: curation. Allele origin: germline.
Comment: Synonymous substitution variant, with low bioinformatic likelihood to result in a splicing aberration (Splicing prior probability 0.02).

Labcorp Genetics (formerly Invitae), Labcorp
Classification: Likely benign for Hereditary breast ovarian cancer syndrome. Last evaluated: 2025-08-05. Review status: criteria provided, single submitter. Criteria: Invitae Variant Classification Sherloc (09022015). Collection method: clinical testing. Allele origin: germline. Not counted in ClinVar's aggregate classification.

Ambry Genetics
Classification: Likely benign for Hereditary cancer-predisposing syndrome. Last evaluated: 2019-10-23. Review status: criteria provided, single submitter. Criteria: Ambry Variant Classification Scheme 2023. Collection method: clinical testing. Allele origin: germline. Not counted in ClinVar's aggregate classification.

Color Diagnostics, LLC DBA Color Health
Classification: Likely benign for Hereditary cancer-predisposing syndrome. Last evaluated: 2017-11-26. Review status: criteria provided, single submitter. Criteria: ACMG Guidelines, 2015. Collection method: clinical testing. Allele origin: germline. Not counted in ClinVar's aggregate classification.